The following is an entry in ClinVar:

ClinVar aggregate classification (germline): Uncertain significance (1 of 4 stars; one submission).

Submission:

Ambry Genetics
Classification: Uncertain significance. Last evaluated: 2026-09-08. Review status: criteria provided, single submitter. Criteria: Ambry Variant Classification Scheme 2023. Collection method: clinical testing. Allele origin: germline.
Comment: The p.Y161C variant (also known as c.482A>G), located in coding exon 3 of the GEN1 gene, results from an A to G substitution at nucleotide position 482. The tyrosine at codon 161 is replaced by cysteine, an amino acid with highly dissimilar properties. This amino acid position is conserved. In addition, this alteration is predicted to be deleterious by in silico analysis. Based on the available evidence, the clinical significance of this variant remains unclear.

NM_001130009.3(GEN1):c.482A>G (p.Tyr161Cys)

Gene: GEN1 (GEN1 structure-specific endonuclease; plus strand). Cytogenetic location: 2p24.2.
Variant type: single nucleotide variant.
Coding change: c.482A>G on transcript NM_001130009.3 (MANE Select); coding-DNA position 482, A replaced by G.
Protein change: p.Tyr161Cys; replaces tyrosine 161 with cysteine.
Molecular consequence: missense variant.
Genome position (GRCh38, 1-based): chr2:17,765,030, A>G. VCF-style: chr2-17765030-A-G. GRCh37 (hg19) VCF-style: chr2-17946297-A-G.
Other names: c.482A>G, p.Tyr161Cys (NM_182625.5); short protein forms Y161C.
Identifiers: ClinVar variation 5022359 (VCV005022359.1).